The following is an entry in ClinVar:

NM_001267550.2(TTN):c.47090G>A (p.Arg15697His)

Genes: TTN (titin; minus strand), TTN-AS1 (TTN antisense RNA 1; plus strand). Cytogenetic location: 2q31.2.
Variant type: single nucleotide variant.
Coding change: c.47090G>A on transcript NM_001267550.2 (MANE Select); coding-DNA position 47090, G replaced by A.
Protein change: p.Arg15697His; replaces arginine 15697 with histidine.
Molecular consequence: missense variant.
Genome position (GRCh38, 1-based): chr2:178,618,368, C>T on the plus strand (G>A on the coding strand, the complement: TTN is on the minus strand). VCF-style: chr2-178618368-C-T. GRCh37 (hg19) VCF-style: chr2-179483095-C-T.
Other names: c.42167G>A, p.Arg14056His (NM_001256850.1); c.19895G>A, p.Arg6632His (NM_003319.4); c.39386G>A, p.Arg13129His (NM_133378.4); c.20270G>A, p.Arg6757His (NM_133432.3); c.20471G>A, p.Arg6824His (NM_133437.4); short protein forms R15697H, R6632H, R13129H, R6757H, R6824H, R14056H.
Identifiers: ClinVar variation 519103 (VCV000519103.9), dbSNP rs757663389, ClinGen allele CA1995123.

ClinVar aggregate classification (germline): Conflicting classifications of pathogenicity. Review status: criteria provided, conflicting classifications (1 of 4 stars). 5 submissions from 5 submitters: Uncertain significance (4); Likely benign (1). Last evaluated 2025-04-11.

Conditions:
Cardiovascular phenotype. Identifiers: MedGen CN230736.
Autosomal recessive limb-girdle muscular dystrophy type 2J (LGMDR10). Also called: MUSCULAR DYSTROPHY, LIMB-GIRDLE, AUTOSOMAL RECESSIVE 10; Limb-girdle muscular dystrophy, type 2J. Identifiers: Orphanet 140922, MedGen C1837342, MONDO:0012127, OMIM 608807.
Hypertrophic cardiomyopathy 9. Also called: Familial hypertrophic cardiomyopathy 9. Identifiers: MedGen C1861065, MONDO:0013412, OMIM 613765.
Tibial muscular dystrophy (TMD). Also called: Udd Distal Myopathy – Tibial Muscular Dystrophy; Tibial muscular dystrophy, tardive; UDD MYOPATHY. Identifiers: Orphanet 609, MedGen C1838244, MONDO:0010870, OMIM 600334.
Dilated cardiomyopathy 1G (CMD1G). Identifiers: Orphanet 154, MedGen C1858763, MONDO:0011400, OMIM 604145.
Early-onset myopathy with fatal cardiomyopathy (CMYO5). Also called: Salih Myopathy; CONGENITAL MYOPATHY 5 WITH CARDIOMYOPATHY. Identifiers: Orphanet 289377, MedGen C2673677, MONDO:0012714, OMIM 611705. Disease mechanism: loss of function.
Myopathy, myofibrillar, 9, with early respiratory failure (MFM9). Also called: MYOPATHY, PROXIMAL, WITH EARLY RESPIRATORY MUSCLE INVOLVEMENT; Myopathy, distal, with early respiratory failure, autosomal dominant; Hereditary myopathy with early respiratory failure; EDSTROM MYOPATHY. Identifiers: Orphanet 178464, Orphanet 34521, MedGen C1863599, MONDO:0011362, OMIM 603689.

Allele frequency attached by ClinVar (database versions not stated): gnomAD exomes 0.00002 and 0.00003; TOPMed 0.00002; ExAC 0.00003; gnomAD 0.00003.
gnomAD v4.1: 35 of 1,612,402 alleles (0.0022%); highest among the groups gnomAD compares: East Asian, 0.036%; no homozygotes.

Submissions (5):

ARUP Laboratories, Molecular Genetics and Genomics, ARUP Laboratories
Classification: Uncertain significance. Last evaluated: 2025-04-11. Review status: criteria provided, single submitter. Criteria: ARUP Molecular Germline Variant Investigation Process 2024. Collection method: clinical testing. Allele origin: germline.
Comment: The TTN c.47090G>A; p.Arg15697His variant (rs757663389; ClinVar Variation ID: 519103) is rare in the general population (<0.2% allele frequency in the Genome Aggregation Database) and has been identified in a single individual included in a cohort of dilated cardiomyopathy (DCM) patients. However, the clinical relevance of rare missense variants in this gene, which are identified on average once per individual sequenced in affected populations (Herman 2012), is not well understood. Yet, evidence suggests that the vast majority of such missense variants do not contribute to the clinical outcome of DCM (Begay 2015). Thus, the clinical significance of the p.Arg15697His variant cannot be determined with certainty. References: Begay RL et al. Role of Titin Missense Variants in Dilated Cardiomyopathy. J Am Heart Assoc. 2015 Nov 13;4(11). PMID: 26567375. Herman DS et al. Truncations of titin causing dilated cardiomyopathy. N Engl J Med. 2012 Feb 16;366(7):619-28. PMID: 22335739. Linke WA and Hamdani N. Gigantic business: titin properties and function through thick and thin. Circ Res 2014; 114(6): 1052-1068. PMID: 24625729. Mazzarotto F et al. Reevaluating the Genetic Contribution of Monogenic Dilated Cardiomyopathy. Circulation. 2020 Feb 4;141(5):387-398. PMID: 31983221

Molecular Diagnostic Laboratory for Inherited Cardiovascular Disease, Montreal Heart Institute
Classification: Likely benign. Last evaluated: 2025-04-09. Review status: criteria provided, single submitter. Criteria: ACMG Guidelines, 2015. Collection method: clinical testing. Allele origin: germline. Affected: no.
Comment: BP1

Revvity Omics, Revvity
Classification: Uncertain significance. Last evaluated: 2024-05-07. Review status: criteria provided, single submitter. Criteria: ACMG Guidelines, 2015. Collection method: clinical testing. Allele origin: germline.

Fulgent Genetics
Classification: Uncertain significance for Tibial muscular dystrophy; Myopathy, myofibrillar, 9, with early respiratory failure; Dilated cardiomyopathy 1G; Autosomal recessive limb-girdle muscular dystrophy type 2J; Early-onset myopathy with fatal cardiomyopathy; Hypertrophic cardiomyopathy 9. Last evaluated: 2021-10-31. Review status: criteria provided, single submitter. Criteria: ACMG Guidelines, 2015. Collection method: clinical testing. Allele origin: unknown.

Ambry Genetics
Classification: Uncertain significance for Cardiovascular phenotype. Last evaluated: 2016-07-08. Review status: criteria provided, single submitter. Criteria: Ambry Variant Classification Scheme 2023. Collection method: clinical testing. Allele origin: germline.
Comment: The p.R6632H variant (also known as c.19895G>A), located in coding exon 79 of the TTN gene, results from a G to A substitution at nucleotide position 19895. This alteration is located in the A-band region of the N2-B isoform of the titin protein. The arginine at codon 6632 is replaced by histidine, an amino acid with highly similar properties. Based on data from ExAC, the A allele has an overall frequency of <0.01% (3/104954). This variant was not reported in population-based cohorts in the following databases: Database of Single Nucleotide Polymorphisms (dbSNP), NHLBI Exome Sequencing Project (ESP), and 1000 Genomes Project. In the ESP, this variant was not observed in 6045 samples (12090 alleles) with coverage at this position. This amino acid position is highly conserved in available vertebrate species. In addition, the in silico prediction for this alteration is inconclusive. Since supporting evidence is limited at this time, the clinical significance of this variant remains unclear.